The following is an entry in ClinVar:

NM_001375405.1(CEP120):c.762del (p.Ser254fs)

Gene: CEP120 (centrosomal protein 120; minus strand). Cytogenetic location: 5q23.2.
Variant type: Deletion.
Coding change: c.762del on transcript NM_001375405.1 (MANE Select); coding-DNA position 762, one base deleted (C; older notation c.762delC).
Protein change: p.Ser254fs; shifts the reading frame from serine 254.
Molecular consequence: frameshift variant. On other transcripts: non-coding transcript variant (1).
Genome position (GRCh38, 1-based): chr5:123,393,348, G deleted on the plus strand (C on the coding strand, the reverse complement: CEP120 is on the minus strand). VCF-style (leftmost placement, unchanged base first): chr5-123393347-TG-T. GRCh37 (hg19) VCF-style: chr5-122729041-TG-T.
Other names: c.684del, p.Ser228fs (NM_001166226.2); c.762del, p.Ser254fs (NM_001375406.1, NM_001375407.1, NM_153223.4); c.189del, p.Ser63fs (NM_001375408.1, NM_001375409.1); short protein forms S63fs, S228fs, S254fs.
Identifiers: ClinVar variation 1027811 (VCV001027811.1), dbSNP rs1772529903, ClinGen allele CA1578909345.
Genomic context (GRCh38, chr5:123,393,347, plus strand): 5'-CTGCAATACTCACCTGCAGTTTAGACTGAAGAGCCAGGTAAACACGAAGAATTTCTACAC[TG>T]CTACGGATGCGAACTGATGCTCTCTCTGGCTCAAAGTTTGGGTTGATTAAATCATTGAAG-3'

ClinVar aggregate classification (germline): Pathogenic (1 of 4 stars; one submission).

Conditions:
Short-rib thoracic dysplasia 13 with or without polydactyly (SRTD13). Identifiers: Orphanet 474, MedGen C4225378, MONDO:0014577, OMIM 616300.

Allele frequency attached by ClinVar (database versions not stated): TOPMed below 0.00001.

Submission:

Baylor Genetics
Classification: Pathogenic for Short-rib thoracic dysplasia 13 with or without polydactyly. Last evaluated: 2019-01-29. Review status: criteria provided, single submitter. Criteria: ACMG Guidelines, 2015. Collection method: clinical testing. Allele origin: paternal. Affected: yes.
Comment: This variant was determined to be pathogenic according to ACMG Guidelines, 2015 [PMID:25741868].